The following is an entry in ClinVar:

ClinVar aggregate classification (germline): Uncertain significance (1 of 4 stars; one submission).

Conditions:
Bardet-Biedl syndrome 10 (BBS10). Identifiers: Orphanet 110, MedGen C1859568, MONDO:0014438, OMIM 615987.

Submission:

Myriad Genetics, Inc.
Classification: Uncertain significance for Bardet-Biedl syndrome 10. Last evaluated: 2025-08-27. Review status: criteria provided, single submitter. Criteria: Myriad Autosomal Dominant, Autosomal Recessive and X-Linked Classification Criteria (2023). Collection method: clinical testing. Allele origin: unknown.
Comment: NM_024685.3(BBS10):c.2170T>G(*724Eext*17) is a stop-loss variant that results in protein elongation classified as a variant of uncertain significance in the context of Bardet-Biedl syndrome, BBS10-related. *724Eext*17 has not been observed in cases with relevant disease. Relevant functional assessments of this variant are not available in the literature. *724Eext*17 has not been observed in referenced population frequency databases. In summary, there is insufficient evidence to classify NM_024685.3(BBS10):c.2170T>G(*724Eext*17) as pathogenic or benign. Please note: this variant was assessed in the context of healthy population screening.

NM_024685.4(BBS10):c.2170T>G (p.Ter724Glu)

Gene: BBS10 (Bardet-Biedl syndrome 10; minus strand). Cytogenetic location: 12q21.2.
Variant type: single nucleotide variant.
Coding change: c.2170T>G on transcript NM_024685.4 (MANE Select); coding-DNA position 2170, T replaced by G.
Protein change: p.Ter724Glu.
Molecular consequence: stop lost.
Genome position (GRCh38, 1-based): chr12:76,345,815, A>C on the plus strand (T>G on the coding strand, the complement: BBS10 is on the minus strand). VCF-style: chr12-76345815-A-C. GRCh37 (hg19) VCF-style: chr12-76739595-A-C.
Identifiers: ClinVar variation 5004134 (VCV005004134.1).